The following is an entry in ClinVar:

NM_001012720.2(RGR):c.59G>T (p.Gly20Val)

Gene: RGR (retinal G protein coupled receptor; plus strand). Cytogenetic location: 10q23.1.
Variant type: single nucleotide variant.
Coding change: c.59G>T on transcript NM_001012720.2 (MANE Select); coding-DNA position 59, G replaced by T.
Protein change: p.Gly20Val; replaces glycine 20 with valine.
Molecular consequence: missense variant.
Genome position (GRCh38, 1-based): chr10:84,245,149, G>T. VCF-style: chr10-84245149-G-T. GRCh37 (hg19) VCF-style: chr10-86004905-G-T.
Other names: c.59G>T (NM_001012720.1); c.59G>T, p.Gly20Val (NM_001012722.2, NM_002921.4); short protein forms G20V.
Identifiers: ClinVar variation 1502203 (VCV001502203.9), dbSNP rs777267592, ClinGen allele CA5581280.

ClinVar aggregate classification (germline): Uncertain significance. Review status: criteria provided, multiple submitters, no conflicts (2 of 4 stars). 2 submissions from 2 submitters: Uncertain significance (2). Last evaluated 2025-05-21.

Allele frequency attached by ClinVar (database versions not stated): gnomAD exomes 0.00001; ExAC 0.00002; gnomAD 0.00003; TOPMed 0.00003.
gnomAD v4.1: 9 of 1,613,096 alleles (0.00056%); highest among the groups gnomAD compares: African/African-American, 0.0053%; no homozygotes.

Submissions (2):

Ambry Genetics
Classification: Uncertain significance. Last evaluated: 2025-05-21. Review status: criteria provided, single submitter. Criteria: Ambry Variant Classification Scheme 2023. Collection method: clinical testing. Allele origin: germline.

Labcorp Genetics (formerly Invitae), Labcorp
Classification: Uncertain significance. Last evaluated: 2024-01-19. Review status: criteria provided, single submitter. Criteria: Invitae Variant Classification Sherloc (09022015). Collection method: clinical testing. Allele origin: germline.
Comment: This sequence change replaces glycine, which is neutral and non-polar, with valine, which is neutral and non-polar, at codon 20 of the RGR protein (p.Gly20Val). This variant is present in population databases (rs777267592, gnomAD 0.01%). This variant has not been reported in the literature in individuals affected with RGR-related conditions. ClinVar contains an entry for this variant (Variation ID: 1502203). Experimental studies and prediction algorithms are not available or were not evaluated, and the functional significance of this variant is currently unknown. In summary, the available evidence is currently insufficient to determine the role of this variant in disease. Therefore, it has been classified as a Variant of Uncertain Significance.